The following is an entry in ClinVar:

ClinVar aggregate classification (germline): Uncertain significance. Review status: criteria provided, multiple submitters, no conflicts (2 of 4 stars). 3 submissions from 3 submitters: Uncertain significance (3). Last evaluated 2024-06-06.

Conditions:
Familial meningioma. Also called: Meningioma, familial, susceptibility to. Identifiers: Orphanet 263662, MedGen C3551915, MONDO:0011789, OMIM 607174.
Neurofibromatosis, type 2 (SWNV). Also called: BILATERAL ACOUSTIC NEUROFIBROMATOSIS; SCHWANNOMATOSIS, VESTIBULAR; NF2-Related Schwannomatosis. Identifiers: Orphanet 637, MedGen C0027832, MONDO:0007039, OMIM 101000. Disease mechanism: loss of function.
SMARCB1-related schwannomatosis. Also called: SWNTS1; Schwannomatosis 1. Identifiers: Orphanet 93921, MedGen C4048809, MONDO:0024517, OMIM 162091. Disease mechanism: loss of function.
Hereditary cancer-predisposing syndrome. Also called: Hereditary Cancer Syndrome; Neoplastic Syndromes, Hereditary; Hereditary neoplastic syndrome; Tumor predisposition. Identifiers: Orphanet 140162, MedGen C0027672, MeSH D009386, MONDO:0015356.

Allele frequency attached by ClinVar (database versions not stated): gnomAD exomes 0.00001 and below 0.00001; TOPMed 0.00001; ExAC 0.00002; 1000 Genomes Project 0.00020; 1000 Genomes Project 30x 0.00047; gnomAD 0.00001.
gnomAD v4.1: 3 of 1,613,976 alleles (0.00019%); highest among the groups gnomAD compares: Admixed American, 0.0017%; no homozygotes.

Submissions (3):

Labcorp Genetics (formerly Invitae), Labcorp
Classification: Uncertain significance for Neurofibromatosis, type 2. Last evaluated: 2024-06-06. Review status: criteria provided, single submitter. Criteria: Invitae Variant Classification Sherloc (09022015). Collection method: clinical testing. Allele origin: germline.
Comment: This sequence change replaces arginine, which is basic and polar, with glutamine, which is neutral and polar, at codon 225 of the NF2 protein (p.Arg225Gln). This variant is present in population databases (rs543087642, gnomAD 0.003%). This variant has not been reported in the literature in individuals affected with NF2-related conditions. ClinVar contains an entry for this variant (Variation ID: 1434458). An algorithm developed to predict the effect of missense changes on protein structure and function (PolyPhen-2) suggests that this variant is likely to be tolerated. In summary, the available evidence is currently insufficient to determine the role of this variant in disease. Therefore, it has been classified as a Variant of Uncertain Significance.

Ambry Genetics
Classification: Uncertain significance for Hereditary cancer-predisposing syndrome. Last evaluated: 2024-03-28. Review status: criteria provided, single submitter. Criteria: Ambry Variant Classification Scheme 2023. Collection method: clinical testing. Allele origin: germline.
Comment: The p.R225Q variant (also known as c.674G>A), located in coding exon 7 of the NF2 gene, results from a G to A substitution at nucleotide position 674. The arginine at codon 225 is replaced by glutamine, an amino acid with highly similar properties. This amino acid position is well conserved in available vertebrate species. In addition, the in silico prediction for this alteration is inconclusive. Based on the available evidence, the clinical significance of this alteration remains unclear.

Fulgent Genetics
Classification: Uncertain significance for Neurofibromatosis, type 2; SMARCB1-related schwannomatosis; Familial meningioma. Last evaluated: 2021-08-13. Review status: criteria provided, single submitter. Criteria: ACMG Guidelines, 2015. Collection method: clinical testing. Allele origin: unknown.

NM_000268.4(NF2):c.674G>A (p.Arg225Gln)

Gene: NF2 (NF2, moesin-ezrin-radixin like (MERLIN) tumor suppressor; plus strand). Cytogenetic location: 22q12.2.
Variant type: single nucleotide variant.
Coding change: c.674G>A on transcript NM_000268.4 (MANE Select); coding-DNA position 674, G replaced by A.
Protein change: p.Arg225Gln; replaces arginine 225 with glutamine.
Molecular consequence: missense variant. On other transcripts: non-coding transcript variant (1), intron variant (1).
Genome position (GRCh38, 1-based): chr22:29,658,263, G>A. VCF-style: chr22-29658263-G-A. GRCh37 (hg19) VCF-style: chr22-30054252-G-A.
Other names: c.674G>A, p.Arg225Gln (NM_016418.5, NM_181825.3, NM_181832.3); c.548G>A, p.Arg183Gln (NM_181828.3); c.551G>A, p.Arg184Gln (NM_181829.3); c.425G>A, p.Arg142Gln (NM_181830.3, NM_181831.3); c.447+15978G>A (NM_181833.3); short protein forms R184Q, R142Q, R183Q, R225Q.
Identifiers: ClinVar variation 1434458 (VCV001434458.10), dbSNP rs543087642, ClinGen allele CA034581.